The following is an entry in ClinVar:

NM_003850.3(SUCLA2):c.510A>G (p.Ala170=)

Gene: SUCLA2 (succinate-CoA ligase ADP-forming subunit beta; minus strand). Cytogenetic location: 13q14.2.
Variant type: single nucleotide variant.
Coding change: c.510A>G on transcript NM_003850.3 (MANE Select); coding-DNA position 510, A replaced by G.
Protein change: p.Ala170=; no amino-acid change (alanine 170 retained).
Molecular consequence: synonymous variant.
Genome position (GRCh38, 1-based): chr13:47,988,565, T>C on the plus strand (A>G on the coding strand, the complement: SUCLA2 is on the minus strand). VCF-style: chr13-47988565-T-C. GRCh37 (hg19) VCF-style: chr13-48562700-T-C.
Other names: p.A170A:GCA>GCG; p.Ala170=.
Identifiers: ClinVar variation 139359 (VCV000139359.20), dbSNP rs35568795, ClinGen allele CA293801.

ClinVar aggregate classification (germline): Benign/Likely benign. Review status: criteria provided, multiple submitters, no conflicts (2 of 4 stars). 6 submissions from 6 submitters: Benign (4); Likely benign (2). Last evaluated 2026-01-28.

Conditions:
Mitochondrial DNA depletion syndrome, encephalomyopathic form with methylmalonic aciduria (MTDPS5). Also called: Mitochondrial encephalomyopathy aminoacidopathy; MITOCHONDRIAL DNA DEPLETION SYNDROME, ENCEPHALOMYOPATHIC FORM, WITH OR WITHOUT METHYLMALONIC ACIDURIA, AUTOSOMAL RECESSIVE, SUCLA2-RELATED; SUCLA2-Related Mitochondrial DNA Depletion Syndrome, Encephalomyopathic Form with Methylmalonic Aciduria; Mitochondrial DNA depletion syndrome 5 (encephalomyopathic with or without methylmalonic aciduria). Identifiers: Orphanet 1933, MedGen C5980207, MONDO:0012791, OMIM 612073.

Allele frequency attached by ClinVar (database versions not stated): gnomAD exomes 0.00115 and 0.00315; ExAC 0.00366; gnomAD 0.01245 and 0.01320; 1000 Genomes Project 0.01418; TOPMed 0.01426; ESP Exome Variant Server 0.01531; 1000 Genomes Project 30x 0.01577.
gnomAD v4.1: 3,650 of 1,613,928 alleles (0.23%); highest among the groups gnomAD compares: African/African-American, 4.3%; 74 homozygotes.

Submissions (6):

Labcorp Genetics (formerly Invitae), Labcorp
Classification: Benign for Mitochondrial DNA depletion syndrome, encephalomyopathic form with methylmalonic aciduria. Last evaluated: 2026-01-28. Review status: criteria provided, single submitter. Criteria: Invitae Variant Classification Sherloc (09022015). Collection method: clinical testing. Allele origin: germline.

Mayo Clinic Laboratories, Mayo Clinic
Classification: Benign. Last evaluated: 2025-05-09. Review status: criteria provided, single submitter. Criteria: ACMG Guidelines, 2015. Collection method: clinical testing. Allele origin: germline. Observed: 17 variant alleles.
Comment: BA1, BP4, BP7

Athena Diagnostics
Classification: Benign. Last evaluated: 2017-11-20. Review status: criteria provided, single submitter. Criteria: Athena Diagnostics Criteria. Collection method: clinical testing. Allele origin: germline.

Illumina Laboratory Services, Illumina
Classification: Likely benign for Mitochondrial DNA depletion syndrome, encephalomyopathic form with methylmalonic aciduria. Last evaluated: 2017-04-27. Review status: criteria provided, single submitter. Criteria: ICSL Variant Classification Criteria 13 December 2019. Collection method: clinical testing. Allele origin: germline.
Comment: This variant was observed as part of a predisposition screen in an ostensibly healthy population. A literature search was performed for the gene, cDNA change, and amino acid change (where applicable). No publications were found based on this search. Allele frequency data from public databases allowed determination this variant is unlikely to cause disease. Therefore, this variant is classified as likely benign.

GeneDx
Classification: Benign. Last evaluated: 2014-01-27. Review status: criteria provided, single submitter. Criteria: GeneDx Variant Classification (06012015). Collection method: clinical testing. Allele origin: germline. Affected: yes.
Comment: This variant is considered likely benign or benign based on one or more of the following criteria: it is a conservative change, it occurs at a poorly conserved position in the protein, it is predicted to be benign by multiple in silico algorithms, and/or has population frequency not consistent with disease.

Breakthrough Genomics
Classification: Likely benign. Review status: criteria provided, single submitter. Criteria: ACMG Guidelines, 2015. Collection method: not provided. Allele origin: germline. Inheritance: Autosomal recessive inheritance. Affected: yes.